The following is an entry in ClinVar:

ClinVar aggregate classification (germline): Uncertain significance (1 of 4 stars; one submission).

Allele frequency attached by ClinVar (database versions not stated): gnomAD exomes below 0.00001.
gnomAD v4.1: 6 of 1,614,092 alleles (0.00037%); highest among the groups gnomAD compares: African/African-American, 0.0013%; no homozygotes.

Submission:

Women's Health and Genetics/Laboratory Corporation of America, LabCorp
Classification: Uncertain significance. Last evaluated: 2024-01-29. Review status: criteria provided, single submitter. Criteria: LabCorp Variant Classification Summary - May 2015. Collection method: clinical testing. Allele origin: germline.
Comment: Variant summary: GLI2 c.2169G>A (p.Met723Ile) results in a conservative amino acid change in the encoded protein sequence. Five of five in-silico tools predict a benign effect of the variant on protein function. The variant allele was found at a frequency of 4e-06 in 251046 control chromosomes (gnomAD). The available data on variant occurrences in the general population are insufficient to allow any conclusion about variant significance. To our knowledge, no occurrence of c.2169G>A in individuals affected with GLI2-Related Disorders and no experimental evidence demonstrating its impact on protein function have been reported. No submitters have cited clinical-significance assessments for this variant to ClinVar. Based on the evidence outlined above, the variant was classified as uncertain significance.

NM_001374353.1(GLI2):c.2118G>A (p.Met706Ile)

Gene: GLI2 (GLI family zinc finger 2; plus strand). Cytogenetic location: 2q14.2.
Variant type: single nucleotide variant.
Coding change: c.2118G>A on transcript NM_001374353.1 (MANE Select); coding-DNA position 2118, G replaced by A.
Protein change: p.Met706Ile; replaces methionine 706 with isoleucine.
Molecular consequence: missense variant.
Genome position (GRCh38, 1-based): chr2:120,986,490, G>A. VCF-style: chr2-120986490-G-A. GRCh37 (hg19) VCF-style: chr2-121744066-G-A.
Other names: c.2169G>A, p.Met723Ile (NM_001371271.1, NM_005270.5); c.1743G>A, p.Met581Ile (NM_001374354.1); short protein forms M581I, M706I, M723I.
Identifiers: ClinVar variation 3063693 (VCV003063693.1), dbSNP rs987095648, ClinGen allele CA54379890.